The following is an entry in ClinVar:

NM_001036.6(RYR3):c.13769C>G (p.Thr4590Ser)

Genes: AVEN (apoptosis and caspase activation inhibitor; minus strand), RYR3 (ryanodine receptor 3; plus strand), LOC126862094 (CDK7 strongly-dependent group 2 enhancer GRCh37_chr15:34145183-34146382; plus strand). Cytogenetic location: 15q14.
Variant type: single nucleotide variant.
Coding change: c.13769C>G on transcript NM_001036.6 (MANE Select); coding-DNA position 13769, C replaced by G.
Protein change: p.Thr4590Ser; replaces threonine 4590 with serine.
Molecular consequence: missense variant.
Genome position (GRCh38, 1-based): chr15:33,853,652, C>G. VCF-style: chr15-33853652-C-G. GRCh37 (hg19) VCF-style: chr15-34145853-C-G.
Other names: c.13754C>G, p.Thr4585Ser (NM_001243996.4); short protein forms T4590S, T4585S.
Identifiers: ClinVar variation 574547 (VCV000574547.36), dbSNP rs371603240, ClinGen allele CA7461758.

ClinVar aggregate classification (germline): Uncertain significance. Review status: criteria provided, multiple submitters, no conflicts (2 of 4 stars). 2 submissions from 2 submitters: Uncertain significance (2). Last evaluated 2023-09-01.

Conditions:
Epileptic encephalopathy. Identifiers: MedGen C0543888, HP:0200134.

Allele frequency attached by ClinVar (database versions not stated): TOPMed 0.00003.
gnomAD v4.1: 54 of 1,613,880 alleles (0.0033%); highest among the groups gnomAD compares: Middle Eastern, 0.033%; 1 homozygote.

Submissions (2):

CeGaT Center for Human Genetics Tuebingen
Classification: Uncertain significance. Last evaluated: 2023-09-01. Review status: criteria provided, single submitter. Criteria: CeGaT Center For Human Genetics Tuebingen Variant Classification Criteria Version 2. Collection method: clinical testing. Allele origin: germline. Affected: yes. Observed: 1 variant allele.
Comment: RYR3: PM2, BP4

Labcorp Genetics (formerly Invitae), Labcorp
Classification: Uncertain significance for Epileptic encephalopathy. Last evaluated: 2022-08-10. Review status: criteria provided, single submitter. Criteria: Invitae Variant Classification Sherloc (09022015). Collection method: clinical testing. Allele origin: germline.
Comment: In summary, the available evidence is currently insufficient to determine the role of this variant in disease. Therefore, it has been classified as a Variant of Uncertain Significance. Algorithms developed to predict the effect of missense changes on protein structure and function output the following: SIFT: "Tolerated"; PolyPhen-2: "Benign"; Align-GVGD: "Class C0". The serine amino acid residue is found in multiple mammalian species, which suggests that this missense change does not adversely affect protein function. ClinVar contains an entry for this variant (Variation ID: 574547). This variant has not been reported in the literature in individuals affected with RYR3-related conditions. This variant is present in population databases (rs371603240, gnomAD 0.005%). This sequence change replaces threonine, which is neutral and polar, with serine, which is neutral and polar, at codon 4590 of the RYR3 protein (p.Thr4590Ser).